The following is an entry in ClinVar:

NM_212482.4(FN1):c.5488A>T (p.Ser1830Cys)

Gene: FN1 (fibronectin 1; minus strand). Cytogenetic location: 2q35.
Variant type: single nucleotide variant.
Coding change: c.5488A>T on transcript NM_212482.4 (MANE Select); coding-DNA position 5488, A replaced by T.
Protein change: p.Ser1830Cys; replaces serine 1830 with cysteine.
Molecular consequence: missense variant.
Genome position (GRCh38, 1-based): chr2:215,379,264, T>A on the plus strand (A>T on the coding strand, the complement: FN1 is on the minus strand). VCF-style: chr2-215379264-T-A. GRCh37 (hg19) VCF-style: chr2-216243987-T-A.
Other names: c.5488A>T, p.Ser1830Cys (NM_001306129.2); c.5218A>T, p.Ser1740Cys (NM_001306130.2, NM_001365517.2, NM_001365519.2 and 2 more transcripts); c.4945A>T, p.Ser1649Cys (NM_001306131.2, NM_001306132.2, NM_001365523.2 and 2 more transcripts); c.5215A>T, p.Ser1739Cys (NM_001365518.2, NM_001365520.2, NM_001365524.2 and 2 more transcripts); short protein forms S1739C, S1649C, S1830C, S1740C.
Identifiers: ClinVar variation 4763244 (VCV004763244.1).

ClinVar aggregate classification (germline): Uncertain significance (1 of 4 stars; one submission).

gnomAD v4.1: 1 of 1,614,102 alleles (0.000062%); highest among the groups gnomAD compares: Admixed American, 0.0017%; no homozygotes.

Submission:

Labcorp Genetics (formerly Invitae), Labcorp
Classification: Uncertain significance. Last evaluated: 2025-07-14. Review status: criteria provided, single submitter. Criteria: Invitae Variant Classification Sherloc (09022015). Collection method: clinical testing. Allele origin: germline.
Comment: This sequence change replaces serine, which is neutral and polar, with cysteine, which is neutral and slightly polar, at codon 1830 of the FN1 protein (p.Ser1830Cys). This variant is present in population databases (no rsID available, gnomAD 0.003%). This variant has not been reported in the literature in individuals affected with FN1-related conditions. An algorithm developed to predict the effect of missense changes on protein structure and function (PolyPhen-2) suggests that this variant is likely to be disruptive. In summary, the available evidence is currently insufficient to determine the role of this variant in disease. Therefore, it has been classified as a Variant of Uncertain Significance.